The following is an entry in ClinVar:

NM_000245.4(MET):c.3340+2T>C

Gene: MET (MET proto-oncogene, receptor tyrosine kinase; plus strand). Cytogenetic location: 7q31.2.
Variant type: single nucleotide variant.
Coding change: c.3340+2T>C on transcript NM_000245.4 (MANE Select); the canonical splice donor site of the intron after coding-DNA position 3340, T replaced by C.
Molecular consequence: splice donor variant.
Genome position (GRCh38, 1-based): chr7:116,777,471, T>C. VCF-style: chr7-116777471-T-C. GRCh37 (hg19) VCF-style: chr7-116417525-T-C.
Other names: NC_000007.13:g.116417525T>C; c.3394+2T>C (NM_001127500.3); c.2050+2T>C (NM_001324402.2).
Identifiers: ClinVar variation 3395113 (VCV003395113.2).

ClinVar aggregate classification (germline): Uncertain significance (1 of 4 stars; one submission).

Conditions:
Hereditary cancer-predisposing syndrome. Also called: Hereditary Cancer Syndrome; Tumor predisposition; Hereditary neoplastic syndrome; Neoplastic Syndromes, Hereditary. Identifiers: Orphanet 140162, MedGen C0027672, MeSH D009386, MONDO:0015356.

Submissions (2):

Ambry Genetics
Classification: Uncertain significance for Hereditary cancer-predisposing syndrome. Last evaluated: 2024-08-08. Review status: criteria provided, single submitter. Criteria: Ambry Variant Classification Scheme 2023. Collection method: clinical testing. Allele origin: germline.
Comment: The c.3394+2T>C intronic variant results from a T to C substitution two nucleotides after coding exon 15 in the MET gene. This nucleotide position is highly conserved in available vertebrate species. In silico splice site analysis predicts that this alteration will weaken the native splice donor site. Alterations that disrupt the canonical splice site are expected to cause aberrant splicing, resulting in an abnormal protein or a transcript that is subject to nonsense-mediated mRNA decay. However, loss of function of MET has not been established as a mechanism of disease. Based on the available evidence, the clinical significance of this alteration remains unclear.

Dr. Peter K. Rogan Lab, Western University
No classification provided (evidence only). Condition: Thyroid cancer, nonmedullary, 1. Review status: no classification provided. Collection method: in vitro. Allele origin: not applicable. Functional consequence: retained intron. Not counted in ClinVar's aggregate classification.